The following is an entry in ClinVar:

NM_205834.4(LSR):c.1325G>T (p.Arg442Leu)

Gene: LSR (lipolysis stimulated lipoprotein receptor; plus strand). Cytogenetic location: 19q13.12.
Variant type: single nucleotide variant.
Coding change: c.1325G>T on transcript NM_205834.4 (MANE Select); coding-DNA position 1325, G replaced by T.
Protein change: p.Arg442Leu; replaces arginine 442 with leucine.
Molecular consequence: missense variant.
Genome position (GRCh38, 1-based): chr19:35,267,289, G>T. VCF-style: chr19-35267289-G-T. GRCh37 (hg19) VCF-style: chr19-35758192-G-T.
Other names: c.1265G>T, p.Arg422Leu (NM_001260489.2); c.1001G>T, p.Arg334Leu (NM_001260490.2); c.1118G>T, p.Arg373Leu (NM_001385215.1); c.1268G>T, p.Arg423Leu (NM_015925.7); c.1121G>T, p.Arg374Leu (NM_205835.4); c.1469G>T (NM_205834.2); short protein forms R423L, R442L, R334L, R374L, R373L, R422L.
Identifiers: ClinVar variation 2919237 (VCV002919237.4), dbSNP rs767547293, ClinGen allele CA9375061.
Genomic context (GRCh38, chr19:35,267,289, plus strand): 5'-GATGGGACCAGGAGCCCGCCAGGGAGCAGGCAGGCGGGGGCTGGCGGGCCAGGCGGCCCC[G>T]GGCCCGCTCCGTGGACGCCCTGGACGACCTCACCCCGCCGAGCACCGCCGAGTCAGGGAG-3'
Protein context (NP_991403.2, residues 432-452): AGGGWRARRP[Arg442Leu]ARSVDALDDL

ClinVar aggregate classification (germline): Uncertain significance. Review status: criteria provided, multiple submitters, no conflicts (2 of 4 stars). 2 submissions from 2 submitters: Uncertain significance (2). Last evaluated 2025-10-06.

gnomAD v4.1: 7 of 1,523,730 alleles (0.00046%); highest among the groups gnomAD compares: Non-Finnish European, 0.00062%; no homozygotes.

Submissions (2):

Labcorp Genetics (formerly Invitae), Labcorp
Classification: Uncertain significance. Last evaluated: 2025-10-06. Review status: criteria provided, single submitter. Criteria: Invitae Variant Classification Sherloc (09022015). Collection method: clinical testing. Allele origin: germline.
Comment: This sequence change replaces arginine, which is basic and polar, with leucine, which is neutral and non-polar, at codon 490 of the LSR protein (p.Arg490Leu). This variant is present in population databases (rs767547293, gnomAD 0.002%). This variant has not been reported in the literature in individuals affected with LSR-related conditions. ClinVar contains an entry for this variant (Variation ID: 2919237). An algorithm developed to predict the effect of missense changes on protein structure and function (PolyPhen-2) suggests that this variant is likely to be disruptive. In summary, the available evidence is currently insufficient to determine the role of this variant in disease. Therefore, it has been classified as a Variant of Uncertain Significance.

Ambry Genetics
Classification: Uncertain significance. Last evaluated: 2023-12-28. Review status: criteria provided, single submitter. Criteria: Ambry Variant Classification Scheme 2023. Collection method: clinical testing. Allele origin: germline.